The following is an entry in ClinVar:

NM_022455.5(NSD1):c.6010-11T>A

Gene: NSD1 (nuclear receptor binding SET domain protein 1; plus strand). Cytogenetic location: 5q35.3.
Variant type: single nucleotide variant.
Coding change: c.6010-11T>A on transcript NM_022455.5 (MANE Select); 11 bases into the intron before coding-DNA position 6010, T replaced by A.
Molecular consequence: intron variant.
Genome position (GRCh38, 1-based): chr5:177,283,776, T>A. VCF-style: chr5-177283776-T-A. GRCh37 (hg19) VCF-style: chr5-176710777-T-A.
Other names: c.6010-11T>A (NM_001409301.1, NM_001409302.1, NM_001409303.1); c.5590-11T>A (NM_001409304.1); c.5257-11T>A (NM_001409305.1); c.5248-11T>A (NM_001409306.1, NM_001409307.1); c.5137-11T>A (NM_001409308.1, NM_172349.5, NM_001365684.2); c.5136+1195T>A (NM_001409309.1).
Identifiers: ClinVar variation 432699 (VCV000432699.2), dbSNP rs1554204909, ClinGen allele CA645372810.

ClinVar aggregate classification (germline): Uncertain significance (1 of 4 stars; one submission).

Submission:

GeneDx
Classification: Uncertain significance. Last evaluated: 2017-06-15. Review status: criteria provided, single submitter. Criteria: GeneDx Variant Classification (06012015). Collection method: clinical testing. Allele origin: germline. Affected: yes.
Comment: The c.6010-11 T>A variant has not been published as a pathogenic variant, nor has it been reported as a benign variant to our knowledge. The c.6010-11 T>A variant is not observed in large population cohorts (Lek et al., 2016; 1000 Genomes Consortium et al., 2015; Exome Variant Server). Several in-silico splice prediction models predict that c.6010-11 T>A may destroys the splice acceptor site in intron 19 and lead to abnormal gene splicing. However, in the absence of RNA/functional studies, the actual effect of this sequence change in this individual is unknown. Therefore, based on the currently available information, it is unclear whether this variant is a pathogenic variant or a rare benign variant.